The following is an entry in ClinVar:

NM_004793.4(LONP1):c.1236C>T (p.Asp412=)

Gene: LONP1 (lon peptidase 1, mitochondrial; minus strand). Cytogenetic location: 19p13.3.
Variant type: single nucleotide variant.
Coding change: c.1236C>T on transcript NM_004793.4 (MANE Select); coding-DNA position 1236, C replaced by T.
Protein change: p.Asp412=; no amino-acid change (aspartic acid 412 retained).
Molecular consequence: synonymous variant. On other transcripts: non-coding transcript variant (1).
Genome position (GRCh38, 1-based): chr19:5,705,903, G>A on the plus strand (C>T on the coding strand, the complement: LONP1 is on the minus strand). VCF-style: chr19-5705903-G-A. GRCh37 (hg19) VCF-style: chr19-5705914-G-A.
Other names: c.1044C>T, p.Asp348= (NM_001276479.2); c.648C>T, p.Asp216= (NM_001276480.1).
Identifiers: ClinVar variation 1644870 (VCV001644870.32), dbSNP rs191905167, ClinGen allele CA9114768.

ClinVar aggregate classification (germline): Likely benign. Review status: criteria provided, multiple submitters, no conflicts (2 of 4 stars). 2 submissions from 2 submitters: Likely benign (2). Last evaluated 2025-09-01.

Allele frequency attached by ClinVar (database versions not stated): gnomAD 0.00007 and 0.00008; gnomAD exomes 0.00009; ExAC 0.00012; 1000 Genomes Project 30x 0.00031; 1000 Genomes Project 0.00040.
gnomAD v4.1: 75 of 1,614,074 alleles (0.0046%); highest among the groups gnomAD compares: East Asian, 0.011%; no homozygotes.

Submissions (2):

CeGaT Center for Human Genetics Tuebingen
Classification: Likely benign. Last evaluated: 2025-09-01. Review status: criteria provided, single submitter. Criteria: CeGaT Center For Human Genetics Tuebingen Variant Classification Criteria Version 2. Collection method: clinical testing. Allele origin: germline. Affected: yes. Observed: 3 variant alleles.
Comment: LONP1: BP4, BP7

Labcorp Genetics (formerly Invitae), Labcorp
Classification: Likely benign. Last evaluated: 2025-02-24. Review status: criteria provided, single submitter. Criteria: Invitae Variant Classification Sherloc (09022015). Collection method: clinical testing. Allele origin: germline.